The following is an entry in ClinVar:

ClinVar aggregate classification (germline): Conflicting classifications of pathogenicity. Review status: criteria provided, conflicting classifications (1 of 4 stars). 2 submissions from 2 submitters: Likely pathogenic (1); Uncertain significance (1). Last evaluated 2026-04-29.

gnomAD v4.1: 5 of 1,612,404 alleles (0.00031%); highest among the groups gnomAD compares: Non-Finnish European, 0.00042%; no homozygotes.

Submissions (2):

GeneDx
Classification: Likely pathogenic. Last evaluated: 2026-04-29. Review status: criteria provided, single submitter. Criteria: GeneDx Variant Classification Process June 2021. Collection method: clinical testing. Allele origin: germline.
Comment: Nonsense variant predicted to result in protein truncation or nonsense mediated decay in a gene for which loss of function is a known mechanism of disease; Not observed at significant frequency in large population cohorts (gnomAD); Has not been previously published as pathogenic or benign to our knowledge

Labcorp Genetics (formerly Invitae), Labcorp
Classification: Uncertain significance. Last evaluated: 2025-09-03. Review status: criteria provided, single submitter. Criteria: Invitae Variant Classification Sherloc (09022015). Collection method: clinical testing. Allele origin: germline.
Comment: This sequence change creates a premature translational stop signal (p.Ser454*) in the DNA2 gene. It is expected to result in an absent or disrupted protein product. However, the current clinical and genetic evidence is not sufficient to establish whether loss-of-function variants in DNA2 cause disease. This variant is not present in population databases (gnomAD no frequency). This variant has not been reported in the literature in individuals affected with DNA2-related conditions. ClinVar contains an entry for this variant (Variation ID: 3769822). Algorithms developed to predict the effect of sequence changes on RNA splicing suggest that this variant may disrupt the consensus splice site. In summary, the available evidence is currently insufficient to determine the role of this variant in disease. Therefore, it has been classified as a Variant of Uncertain Significance.

NM_001080449.3(DNA2):c.1361C>A (p.Ser454Ter)

Gene: DNA2 (DNA replication helicase/nuclease 2; minus strand). Cytogenetic location: 10q21.3.
Variant type: single nucleotide variant.
Coding change: c.1361C>A on transcript NM_001080449.3 (MANE Select); coding-DNA position 1361, C replaced by A.
Protein change: p.Ser454Ter; replaces serine 454 with a stop codon.
Molecular consequence: nonsense. On other transcripts: non-coding transcript variant (1).
Genome position (GRCh38, 1-based): chr10:68,442,971, G>T on the plus strand (C>A on the coding strand, the complement: DNA2 is on the minus strand). VCF-style: chr10-68442971-G-T. GRCh37 (hg19) VCF-style: chr10-70202728-G-T.
Other names: short protein forms S454*.
Identifiers: ClinVar variation 3769822 (VCV003769822.3).